The following is an entry in ClinVar:

ClinVar aggregate classification (germline): Uncertain significance (1 of 4 stars; one submission).

Conditions:
Ataxia-telangiectasia syndrome (AT). Also called: Ataxia-telangiectasia, complementation group D; AT, COMPLEMENTATION GROUP C; ATAXIA-TELANGIECTASIA, COMPLEMENTATION GROUP A; ATAXIA-TELANGIECTASIA, FRESNO VARIANT; Ataxia-telangiectasia; LOUIS-BAR SYNDROME. Identifiers: Orphanet 100, MedGen C0004135, MONDO:0008840, OMIM 208900.

Submission:

Labcorp Genetics (formerly Invitae), Labcorp
Classification: Uncertain significance for Ataxia-telangiectasia syndrome. Last evaluated: 2021-08-25. Review status: criteria provided, single submitter. Criteria: Invitae Variant Classification Sherloc (09022015). Collection method: clinical testing. Allele origin: germline.
Comment: This sequence change replaces glycine with arginine at codon 2925 of the ATM protein (p.Gly2925Arg). The glycine residue is highly conserved and there is a moderate physicochemical difference between glycine and arginine. This variant is not present in population databases (ExAC no frequency). This variant has not been reported in the literature in individuals affected with ATM-related conditions. Algorithms developed to predict the effect of missense changes on protein structure and function (SIFT, PolyPhen-2, Align-GVGD) all suggest that this variant is likely to be disruptive. In summary, the available evidence is currently insufficient to determine the role of this variant in disease. Therefore, it has been classified as a Variant of Uncertain Significance.

NM_000051.4(ATM):c.8773G>C (p.Gly2925Arg)

Genes: ATM (ATM serine/threonine kinase; plus strand), C11orf65 (chromosome 11 open reading frame 65; minus strand). Cytogenetic location: 11q22.3.
Variant type: single nucleotide variant.
Coding change: c.8773G>C on transcript NM_000051.4 (MANE Select); coding-DNA position 8773, G replaced by C.
Protein change: p.Gly2925Arg; replaces glycine 2925 with arginine.
Molecular consequence: missense variant. On other transcripts: intron variant (2).
Genome position (GRCh38, 1-based): chr11:108,353,867, G>C. VCF-style: chr11-108353867-G-C. GRCh37 (hg19) VCF-style: chr11-108224594-G-C.
Other names: c.8773G>C, p.Gly2925Arg (NM_001351834.2); c.640+32053C>G (NM_001330368.2); c.695-18575C>G (NM_001351110.2); short protein forms G2925R.
Identifiers: ClinVar variation 639033 (VCV000639033.7), dbSNP rs876658519, ClinGen allele CA382524271.